The following is an entry in ClinVar:

NM_005591.4(MRE11):c.1102G>C (p.Asp368His)

Gene: MRE11 (MRE11 double strand break repair nuclease; minus strand). Cytogenetic location: 11q21.
Variant type: single nucleotide variant.
Coding change: c.1102G>C on transcript NM_005591.4 (MANE Select); coding-DNA position 1102, G replaced by C.
Protein change: p.Asp368His; replaces aspartic acid 368 with histidine.
Molecular consequence: missense variant.
Genome position (GRCh38, 1-based): chr11:94,464,236, C>G on the plus strand (G>C on the coding strand, the complement: MRE11 is on the minus strand). VCF-style: chr11-94464236-C-G. GRCh37 (hg19) VCF-style: chr11-94197402-C-G.
Other names: c.1102G>C, p.Asp368His (NM_001330347.2, NM_005590.4); short protein forms D368H.
Identifiers: ClinVar variation 481773 (VCV000481773.7), dbSNP rs775751783, ClinGen allele CA6235151.

ClinVar aggregate classification (germline): Uncertain significance (1 of 4 stars; one submission).

Conditions:
Hereditary cancer-predisposing syndrome. Also called: Neoplastic Syndromes, Hereditary; Tumor predisposition; Hereditary Cancer Syndrome; Hereditary neoplastic syndrome. Identifiers: Orphanet 140162, MedGen C0027672, MeSH D009386, MONDO:0015356.

Allele frequency attached by ClinVar (database versions not stated): gnomAD exomes below 0.00001; ExAC 0.00001.

Submission:

Ambry Genetics
Classification: Uncertain significance for Hereditary cancer-predisposing syndrome. Last evaluated: 2025-09-26. Review status: criteria provided, single submitter. Criteria: Ambry Variant Classification Scheme 2023. Collection method: clinical testing. Allele origin: germline.
Comment: The p.D368H variant (also known as c.1102G>C), located in coding exon 10 of the MRE11A gene, results from a G to C substitution at nucleotide position 1102. The aspartic acid at codon 368 is replaced by histidine, an amino acid with similar properties. This amino acid position is highly conserved in available vertebrate species. In addition, this alteration is predicted to be deleterious by in silico analysis. Since supporting evidence is limited at this time, the clinical significance of this alteration remains unclear.